The following is an entry in ClinVar:

ClinVar aggregate classification (germline): Uncertain significance. Review status: criteria provided, multiple submitters, no conflicts (2 of 4 stars). 2 submissions from 2 submitters: Uncertain significance (2). Last evaluated 2022-09-12.

Allele frequency attached by ClinVar (database versions not stated): gnomAD exomes 0.00002 and 0.00005; TOPMed 0.00002; ExAC 0.00004; gnomAD 0.00004.
gnomAD v4.1: 31 of 1,609,658 alleles (0.0019%); highest among the groups gnomAD compares: Non-Finnish European, 0.0013%; no homozygotes.

Submissions (2):

Labcorp Genetics (formerly Invitae), Labcorp
Classification: Uncertain significance. Last evaluated: 2022-09-12. Review status: criteria provided, single submitter. Criteria: Invitae Variant Classification Sherloc (09022015). Collection method: clinical testing. Allele origin: germline.
Comment: This sequence change replaces threonine, which is neutral and polar, with alanine, which is neutral and non-polar, at codon 276 of the ABHD12 protein (p.Thr276Ala). This variant is present in population databases (rs775417181, gnomAD 0.04%). This variant has not been reported in the literature in individuals affected with ABHD12-related conditions. ClinVar contains an entry for this variant (Variation ID: 1354285). Advanced modeling of protein sequence and biophysical properties (such as structural, functional, and spatial information, amino acid conservation, physicochemical variation, residue mobility, and thermodynamic stability) performed at Invitae indicates that this missense variant is not expected to disrupt ABHD12 protein function. In summary, the available evidence is currently insufficient to determine the role of this variant in disease. Therefore, it has been classified as a Variant of Uncertain Significance.

Blueprint Genetics
Classification: Uncertain significance. Last evaluated: 2022-06-28. Review status: criteria provided, single submitter. Criteria: ACMG Guidelines, 2015. Collection method: clinical testing. Allele origin: germline.

NM_001042472.3(ABHD12):c.826A>G (p.Thr276Ala)

Gene: ABHD12 (abhydrolase domain containing 12, lysophospholipase; minus strand). Cytogenetic location: 20p11.21.
Variant type: single nucleotide variant.
Coding change: c.826A>G on transcript NM_001042472.3 (MANE Select); coding-DNA position 826, A replaced by G.
Protein change: p.Thr276Ala; replaces threonine 276 with alanine.
Molecular consequence: missense variant.
Genome position (GRCh38, 1-based): chr20:25,308,007, T>C on the plus strand (A>G on the coding strand, the complement: ABHD12 is on the minus strand). VCF-style: chr20-25308007-T-C. GRCh37 (hg19) VCF-style: chr20-25288643-T-C.
Other names: c.826A>G, p.Thr276Ala (NM_015600.5); short protein forms T276A.
Identifiers: ClinVar variation 1354285 (VCV001354285.8), dbSNP rs775417181, ClinGen allele CA9795968.
Genomic context (GRCh38, chr20:25,308,007, plus strand): 5'-TAATAAAATCTGTACTTGCCACTGAAAATGGATGGCTCTTAGCTTCTTCGCGGATATTAG[T>C]GAATGGAGATTCCAATATAAGGGCATCTGGAGGCGTCTCTAGATAAACAAACAGGGAACT-3'
Protein context (NP_001035937.1, residues 266-286): PDALILESPF[Thr276Ala]NIREEAKSHP